The following is an entry in ClinVar:

NM_001378743.1(CYLD):c.505-8A>G

Gene: CYLD (CYLD lysine 63 deubiquitinase; plus strand). Cytogenetic location: 16q12.1.
Variant type: single nucleotide variant.
Coding change: c.505-8A>G on transcript NM_001378743.1 (MANE Select); 8 bases into the intron before coding-DNA position 505, A replaced by G.
Molecular consequence: intron variant.
Genome position (GRCh38, 1-based): chr16:50,751,596, A>G. VCF-style: chr16-50751596-A-G. GRCh37 (hg19) VCF-style: chr16-50785507-A-G.
Other names: c.505-8A>G (NM_015247.3, NM_001378745.1, NM_001378744.1 and 10 more transcripts); c.-158-12A>G (NM_001378754.1, NM_001378755.1).
Identifiers: ClinVar variation 1049555 (VCV001049555.1), dbSNP rs2150903246, ClinGen allele CA2499223537.

ClinVar aggregate classification (germline): Uncertain significance (0 of 4 stars; one submission).

Submission:

Department of Pathology and Laboratory Medicine, Sinai Health System
Classification: Uncertain significance. Review status: no assertion criteria provided. Collection method: clinical testing. Allele origin: unknown. Affected: yes. Study: The Canadian Open Genetics Repository (COGR).
Comment: The CYLD c.505-8A>G variant was not identified in the literature nor was it identified in dbSNP, ClinVar, LOVD 3.0, or in the following control databases: the 1000 Genomes Project, the NHLBI GO Exome Sequencing Project, or the Genome Aggregation Database (March 6, 2019, v2.1.1). The c.505-8A>G variant is located in the 3' splice region but does not affect the invariant -1 and -2 positions. However, positions -3 and -5 to -12 are part of the splicing consensus sequence and variants involving these positions sometimes affect splicing. In addition, 4 of 4 in silico or computational prediction software programs (SpliceSiteFinder, MaxEntScan, NNSPLICE, GeneSplicer) predict a greater than 10% difference in splicing and the creation of a new 3' splice site. However, this has not been confirmed by RNA analysis. In summary, based on the above information the clinical significance of this variant cannot be determined with certainty at this time. This variant is classified as a variant of uncertain significance.